The following is an entry in ClinVar:

ClinVar aggregate classification (germline): Uncertain significance (1 of 4 stars; one submission).

Conditions:
Growth hormone insensitivity with immune dysregulation 1, autosomal recessive. Also called: LARON SYNDROME DUE TO POSTRECEPTOR DEFECT; GROWTH HORMONE INSENSITIVITY SYNDROME WITH IMMUNE DYSREGULATION 1, AUTOSOMAL RECESSIVE; Laron syndrome with immunodeficiency; GROWTH HORMONE INSENSITIVITY DUE TO POSTRECEPTOR DEFECT. Identifiers: Orphanet 220465, MedGen C5435698, MONDO:0100211, OMIM 245590.

Submission:

Labcorp Genetics (formerly Invitae), Labcorp
Classification: Uncertain significance for Growth hormone insensitivity with immune dysregulation 1, autosomal recessive. Last evaluated: 2024-06-24. Review status: criteria provided, single submitter. Criteria: Invitae Variant Classification Sherloc (09022015). Collection method: clinical testing. Allele origin: germline.
Comment: This sequence change affects codon 95 of the STAT5B mRNA. It is a 'silent' change, meaning that it does not change the encoded amino acid sequence of the STAT5B protein. This variant also falls at the last nucleotide of exon 3, which is part of the consensus splice site for this exon. This variant is not present in population databases (gnomAD no frequency). This variant has not been reported in the literature in individuals affected with STAT5B-related conditions. ClinVar contains an entry for this variant (Variation ID: 2104324). Variants that disrupt the consensus splice site are a relatively common cause of aberrant splicing (PMID: 17576681, 9536098). Algorithms developed to predict the effect of sequence changes on RNA splicing suggest that this variant may disrupt the consensus splice site. In summary, the available evidence is currently insufficient to determine the role of this variant in disease. Therefore, it has been classified as a Variant of Uncertain Significance.

Literature cited by the submitters: PubMed 17576681; PubMed 9536098.

NM_012448.4(STAT5B):c.285G>A (p.Gln95=)

Gene: STAT5B (signal transducer and activator of transcription 5B; minus strand). Cytogenetic location: 17q21.2.
Variant type: single nucleotide variant.
Coding change: c.285G>A on transcript NM_012448.4 (MANE Select); coding-DNA position 285, G replaced by A.
Protein change: p.Gln95=; no amino-acid change (glutamine 95 retained).
Molecular consequence: synonymous variant.
Genome position (GRCh38, 1-based): chr17:42,227,529, C>T on the plus strand (G>A on the coding strand, the complement: STAT5B is on the minus strand). VCF-style: chr17-42227529-C-T. GRCh37 (hg19) VCF-style: chr17-40379547-C-T.
Identifiers: ClinVar variation 2104324 (VCV002104324.4), dbSNP rs2508790445, ClinGen allele CA500061763.